The following is an entry in ClinVar:

ClinVar aggregate classification (germline): Uncertain significance. Review status: criteria provided, multiple submitters, no conflicts (2 of 4 stars). 4 submissions from 3 submitters: Uncertain significance (4). Last evaluated 2025-11-07.

Conditions:
Cystic fibrosis (CF). Also called: MUCOVISCIDOSIS. Identifiers: Orphanet 586, MedGen C0010674, MONDO:0009061, OMIM 219700. Disease mechanism: loss of function.
Congenital bilateral aplasia of vas deferens from CFTR mutation (CBAVD). Identifiers: Orphanet 48, MedGen C0403814, MONDO:0010178, OMIM 277180. Disease mechanism: loss of function.

Allele frequency attached by ClinVar (database versions not stated): gnomAD exomes below 0.00001; gnomAD 0.00001; 1000 Genomes Project 30x 0.00016.
gnomAD v4.1: 2 of 1,614,066 alleles (0.00012%); highest among the groups gnomAD compares: Non-Finnish European, 0.00017%; no homozygotes.

Submissions (4):

Women's Health and Genetics/Laboratory Corporation of America, LabCorp
Classification: Uncertain significance. Last evaluated: 2025-11-07. Review status: criteria provided, single submitter. Criteria: LabCorp Variant Classification Summary - May 2015. Collection method: clinical testing. Allele origin: germline.
Comment: Variant summary: CFTR c.593C>T (p.Ala198Val) results in a non-conservative amino acid change in the encoded protein sequence. Algorithms developed to predict the effect of missense changes on protein structure and function all suggest that this variant is likely to be disruptive. The variant allele was found at a frequency of 4e-06 in 251440 control chromosomes. The available data on variant occurrences in the general population are insufficient to allow any conclusion about variant significance. To our knowledge, no occurrence of c.593C>T in individuals affected with CFTR-related conditions and no experimental evidence demonstrating its impact on protein function have been reported. The following publication has been ascertained in the context of this evaluation (PMID: 32734384). ClinVar contains an entry for this variant (Variation ID: 1210376). Based on the evidence outlined above, the variant was classified as uncertain significance.

Genome-Nilou Lab
Classification: Uncertain significance for Cystic fibrosis. Last evaluated: 2021-07-22. Review status: criteria provided, single submitter. Criteria: ACMG Guidelines, 2015. Collection method: clinical testing. Allele origin: germline. Affected: no.

Genome-Nilou Lab
Classification: Uncertain significance for Congenital bilateral aplasia of vas deferens from CFTR mutation. Last evaluated: 2021-07-22. Review status: criteria provided, single submitter. Criteria: ACMG Guidelines, 2015. Collection method: clinical testing. Allele origin: germline. Affected: no.

Breakthrough Genomics
Classification: Uncertain significance. Review status: criteria provided, single submitter. Criteria: ACMG Guidelines, 2015. Collection method: not provided. Allele origin: germline. Inheritance: Autosomal recessive inheritance. Affected: yes.

Literature cited by the submitters: PubMed 32734384 (cited by Women's Health and Genetics/Laboratory Corporation of America, LabCorp).

NM_000492.4(CFTR):c.593C>T (p.Ala198Val)

Gene: CFTR (CF transmembrane conductance regulator; plus strand). Cytogenetic location: 7q31.2.
Variant type: single nucleotide variant.
Coding change: c.593C>T on transcript NM_000492.4 (MANE Select); coding-DNA position 593, C replaced by T.
Protein change: p.Ala198Val; replaces alanine 198 with valine.
Molecular consequence: missense variant.
Genome position (GRCh38, 1-based): chr7:117,535,261, C>T. VCF-style: chr7-117535261-C-T. GRCh37 (hg19) VCF-style: chr7-117175315-C-T.
Other names: short protein forms A198V.
Identifiers: ClinVar variation 1210376 (VCV001210376.8), dbSNP rs73215910, ClinGen allele CA164945434.